The following is an entry in ClinVar:

NM_004928.3(CFAP410):c.539A>C (p.Glu180Ala)

Gene: CFAP410 (cilia and flagella associated protein 410; minus strand). Cytogenetic location: 21q22.3.
Variant type: single nucleotide variant.
Coding change: c.539A>C on transcript NM_004928.3 (MANE Select); coding-DNA position 539, A replaced by C.
Protein change: p.Glu180Ala; replaces glutamic acid 180 with alanine.
Molecular consequence: missense variant.
Genome position (GRCh38, 1-based): chr21:44,331,849, T>G on the plus strand (A>C on the coding strand, the complement: CFAP410 is on the minus strand). VCF-style: chr21-44331849-T-G. GRCh37 (hg19) VCF-style: chr21-45751732-T-G.
Other names: c.539A>C, p.Glu180Ala (NM_001271440.2, NM_001271441.2); c.416A>C, p.Glu139Ala (NM_001271442.1); c.539A>C (NM_004928.2); short protein forms E139A, E180A.
Identifiers: ClinVar variation 1415269 (VCV001415269.4), dbSNP rs369935156, ClinGen allele CA10053639.

ClinVar aggregate classification (germline): Uncertain significance. Review status: criteria provided, multiple submitters, no conflicts (2 of 4 stars). 2 submissions from 2 submitters: Uncertain significance (2). Last evaluated 2024-11-07.

Conditions:
CFAP410-related disorder. Also called: CFAP410-related condition.

Allele frequency attached by ClinVar (database versions not stated): gnomAD 0.00001; gnomAD exomes 0.00001 and 0.00002; TOPMed 0.00001; ExAC 0.00002; ESP Exome Variant Server 0.00008.
gnomAD v4.1: 13 of 1,610,574 alleles (0.00081%); highest among the groups gnomAD compares: South Asian, 0.0099%; no homozygotes.

Submissions (2):

PreventionGenetics, part of Exact Sciences
Classification: Uncertain significance for CFAP410-related condition. Last evaluated: 2024-11-07. Review status: criteria provided, single submitter. Criteria: ACMG Guidelines, 2015. Collection method: clinical testing. Allele origin: germline.
Comment: The CFAP410 c.539A>C variant is predicted to result in the amino acid substitution p.Glu180Ala. To our knowledge, this variant has not been reported in the literature. This variant is reported in 0.0099% of alleles in individuals of South Asian descent in gnomAD. At this time, the clinical significance of this variant is uncertain due to the absence of conclusive functional and genetic evidence.

Labcorp Genetics (formerly Invitae), Labcorp
Classification: Uncertain significance. Last evaluated: 2022-11-01. Review status: criteria provided, single submitter. Criteria: Invitae Variant Classification Sherloc (09022015). Collection method: clinical testing. Allele origin: germline.
Comment: This sequence change replaces glutamic acid, which is acidic and polar, with alanine, which is neutral and non-polar, at codon 180 of the CFAP410 protein (p.Glu180Ala). This variant is present in population databases (rs369935156, gnomAD 0.01%). This variant has not been reported in the literature in individuals affected with CFAP410-related conditions. ClinVar contains an entry for this variant (Variation ID: 1415269). Advanced modeling of protein sequence and biophysical properties (such as structural, functional, and spatial information, amino acid conservation, physicochemical variation, residue mobility, and thermodynamic stability) performed at Invitae indicates that this missense variant is not expected to disrupt CFAP410 protein function. Algorithms developed to predict the effect of sequence changes on RNA splicing suggest that this variant may disrupt the consensus splice site. In summary, the available evidence is currently insufficient to determine the role of this variant in disease. Therefore, it has been classified as a Variant of Uncertain Significance.